The following is an entry in ClinVar:

ClinVar aggregate classification (germline): Uncertain significance (1 of 4 stars; one submission).

Conditions:
Cystic fibrosis (CF). Also called: MUCOVISCIDOSIS. Identifiers: Orphanet 586, MedGen C0010674, MONDO:0009061, OMIM 219700. Disease mechanism: loss of function.

Allele frequency attached by ClinVar (database versions not stated): gnomAD 0.00001; TOPMed below 0.00001; gnomAD exomes below 0.00001.
gnomAD v4.1: 4 of 1,490,888 alleles (0.00027%); highest among the groups gnomAD compares: African/African-American, 0.0055%; no homozygotes.

Submission:

Ambry Genetics
Classification: Uncertain significance for Cystic fibrosis. Last evaluated: 2025-04-03. Review status: criteria provided, single submitter. Criteria: Ambry Variant Classification Scheme 2023. Collection method: clinical testing. Allele origin: germline.
Comment: The p.E54G variant (also known as c.161A>G), located in coding exon 2 of the CFTR gene, results from an A to G substitution at nucleotide position 161. The glutamic acid at codon 54 is replaced by glycine, an amino acid with similar properties. This amino acid position is conserved. In addition, this alteration is predicted to be deleterious by in silico analysis. Since supporting evidence is limited at this time, the clinical significance of this alteration remains unclear.

NM_000492.4(CFTR):c.161A>G (p.Glu54Gly)

Gene: CFTR (CF transmembrane conductance regulator; plus strand). Cytogenetic location: 7q31.2.
Variant type: single nucleotide variant.
Coding change: c.161A>G on transcript NM_000492.4 (MANE Select); coding-DNA position 161, A replaced by G.
Protein change: p.Glu54Gly; replaces glutamic acid 54 with glycine.
Molecular consequence: missense variant.
Genome position (GRCh38, 1-based): chr7:117,504,360, A>G. VCF-style: chr7-117504360-A-G. GRCh37 (hg19) VCF-style: chr7-117144414-A-G.
Other names: short protein forms E54G.
Identifiers: ClinVar variation 1776565 (VCV001776565.3), dbSNP rs1320388257, ClinGen allele CA368987542.